The following is an entry in ClinVar:

NM_021871.4(FGA):c.804G>A (p.Glu268=)

Gene: FGA (fibrinogen alpha chain; minus strand). Cytogenetic location: 4q31.3.
Variant type: single nucleotide variant.
Coding change: c.804G>A on transcript NM_021871.4 (MANE Select); coding-DNA position 804, G replaced by A.
Protein change: p.Glu268=; no amino-acid change (glutamic acid 268 retained).
Molecular consequence: synonymous variant.
Genome position (GRCh38, 1-based): chr4:154,586,625, C>T on the plus strand (G>A on the coding strand, the complement: FGA is on the minus strand). VCF-style: chr4-154586625-C-T. GRCh37 (hg19) VCF-style: chr4-155507777-C-T.
Other names: c.804G>A, p.Glu268= (NM_000508.5).
Identifiers: ClinVar variation 3031849 (VCV003031849.3), dbSNP rs192630966, ClinGen allele CA3115219.
Genomic context (GRCh38, chr4:154,586,625, plus strand): 5'-GTTCCTGGGGCTTTCCGTCTCTGATCCGGTTCCATAAGAGGTGGAGCCTCCTCGAGTAAT[C>T]TCATTTCCACCAGGTCTCTCTAACTCCATTCTCATCTGCGGCATGTCTGTTAATGCCTTC-3'
Protein context (NP_068657.1, residues 258-278): RMELERPGGN[Glu268=]ITRGGSTSYG

ClinVar aggregate classification (germline): Uncertain significance. Review status: criteria provided, single submitter (1 of 4 stars). 2 submissions from 2 submitters: Uncertain significance (1). 1 of the submissions does not count toward it. Last evaluated 2024-03-20.

Conditions:
FGA-related disorder. Also called: FGA-related condition; FGA-related disorders.
Familial visceral amyloidosis, Ostertag type (AMYLD2). Also called: AMYLOIDOSIS, HEREDITARY SYSTEMIC 2; Ostertag type amyloidosis; AMYLOIDOSIS VIII; Hereditary Renal Amyloidosis; Amyloidosis, hepatic and systemic; Familial visceral amyloidosis. Identifiers: Orphanet 85450, MedGen C0268389, MONDO:0007099, OMIM 105200.
Congenital afibrinogenemia. Identifiers: Orphanet 335, Orphanet 98880, MedGen C2584774, MONDO:0008737, OMIM 202400.
Familial dysfibrinogenemia. Also called: Dysfibrinogenemia, congenital. Identifiers: Orphanet 335, Orphanet 98881, MedGen C0272350, MONDO:0014452, OMIM 616004.

Allele frequency attached by ClinVar (database versions not stated): ExAC 0.00001; gnomAD 0.00001; gnomAD exomes 0.00001; 1000 Genomes Project 30x 0.00016; 1000 Genomes Project 0.00020.
gnomAD v4.1: 8 of 1,614,012 alleles (0.0005%); highest among the groups gnomAD compares: Admixed American, 0.0017%; no homozygotes.

Submissions (2):

Fulgent Genetics
Classification: Uncertain significance for Familial visceral amyloidosis, Ostertag type; Congenital afibrinogenemia; Familial dysfibrinogenemia. Last evaluated: 2024-03-20. Review status: criteria provided, single submitter. Criteria: ACMG Guidelines, 2015. Collection method: clinical testing. Allele origin: germline.

PreventionGenetics, part of Exact Sciences
Classification: Likely benign for FGA-related condition. Last evaluated: 2023-12-20. Review status: no assertion criteria provided. Collection method: clinical testing. Allele origin: germline. Not counted in ClinVar's aggregate classification.
Comment: This variant is classified as likely benign based on ACMG/AMP sequence variant interpretation guidelines (Richards et al. 2015 PMID: 25741868, with internal and published modifications).